The following is an entry in ClinVar:

ClinVar aggregate classification (germline): Uncertain significance (1 of 4 stars; one submission).

Conditions:
Hereditary cancer-predisposing syndrome. Also called: Neoplastic Syndromes, Hereditary; Tumor predisposition; Hereditary Cancer Syndrome; Hereditary neoplastic syndrome. Identifiers: Orphanet 140162, MedGen C0027672, MeSH D009386, MONDO:0015356.

gnomAD v4.1: 1 of 1,545,422 alleles (0.000065%); highest among the groups gnomAD compares: Non-Finnish European, 0.000088%; no homozygotes.

Submission:

Ambry Genetics
Classification: Uncertain significance for Hereditary cancer-predisposing syndrome. Last evaluated: 2022-05-21. Review status: criteria provided, single submitter. Criteria: Ambry Variant Classification Scheme 2023. Collection method: clinical testing. Allele origin: germline.
Comment: The p.G53V variant (also known as c.158G>T), located in coding exon 2 of the CDH1 gene, results from a G to T substitution at nucleotide position 158. The glycine at codon 53 is replaced by valine, an amino acid with dissimilar properties. This amino acid position is conserved. In addition, the in silico prediction for this alteration is inconclusive. Since supporting evidence is limited at this time, the clinical significance of this alteration remains unclear.

NM_004360.5(CDH1):c.158G>T (p.Gly53Val)

Gene: CDH1 (cadherin 1; plus strand). Cytogenetic location: 16q22.1.
Variant type: single nucleotide variant.
Coding change: c.158G>T on transcript NM_004360.5 (MANE Select); coding-DNA position 158, G replaced by T.
Protein change: p.Gly53Val; replaces glycine 53 with valine.
Molecular consequence: missense variant. On other transcripts: 5 prime UTR variant (2).
Genome position (GRCh38, 1-based): chr16:68,738,406, G>T. VCF-style: chr16-68738406-G-T. GRCh37 (hg19) VCF-style: chr16-68772309-G-T.
Other names: c.158G>T, p.Gly53Val (NM_001317184.2); c.-1458G>T (NM_001317185.2); c.-1662G>T (NM_001317186.2); short protein forms G53V.
Identifiers: ClinVar variation 1775893 (VCV001775893.2), dbSNP rs876659692, ClinGen allele CA396452316.